The following is an entry in ClinVar:

NM_000245.4(MET):c.221A>G (p.Asn74Ser)

Gene: MET (MET proto-oncogene, receptor tyrosine kinase; plus strand). Cytogenetic location: 7q31.2.
Variant type: single nucleotide variant.
Coding change: c.221A>G on transcript NM_000245.4 (MANE Select); coding-DNA position 221, A replaced by G.
Protein change: p.Asn74Ser; replaces asparagine 74 with serine.
Molecular consequence: missense variant. On other transcripts: intron variant (1).
Genome position (GRCh38, 1-based): chr7:116,699,305, A>G. VCF-style: chr7-116699305-A-G. GRCh37 (hg19) VCF-style: chr7-116339359-A-G.
Other names: c.221A>G, p.Asn74Ser (NM_001127500.3, NM_001324401.3); c.-91+26728A>G (NM_001324402.2); short protein forms N74S.
Identifiers: ClinVar variation 3232928 (VCV003232928.2), dbSNP rs2116583212, ClinGen allele CA368968597.

ClinVar aggregate classification (germline): Uncertain significance. Review status: criteria provided, multiple submitters, no conflicts (2 of 4 stars). 2 submissions from 2 submitters: Uncertain significance (2). Last evaluated 2025-02-25.

Conditions:
Hereditary cancer-predisposing syndrome. Also called: Neoplastic Syndromes, Hereditary; Tumor predisposition; Hereditary neoplastic syndrome; Hereditary Cancer Syndrome. Identifiers: Orphanet 140162, MedGen C0027672, MeSH D009386, MONDO:0015356.
Renal cell carcinoma. Identifiers: Orphanet 217071, MedGen C0007134, MeSH D002292, MONDO:0005086, HP:0005584.

Submissions (2):

Labcorp Genetics (formerly Invitae), Labcorp
Classification: Uncertain significance for Renal cell carcinoma. Last evaluated: 2025-02-25. Review status: criteria provided, single submitter. Criteria: Invitae Variant Classification Sherloc (09022015). Collection method: clinical testing. Allele origin: germline.
Comment: This sequence change replaces asparagine, which is neutral and polar, with serine, which is neutral and polar, at codon 74 of the MET protein (p.Asn74Ser). This variant is not present in population databases (gnomAD no frequency). This variant has not been reported in the literature in individuals affected with MET-related conditions. ClinVar contains an entry for this variant (Variation ID: 3232928). Invitae Evidence Modeling of protein sequence and biophysical properties (such as structural, functional, and spatial information, amino acid conservation, physicochemical variation, residue mobility, and thermodynamic stability) indicates that this missense variant is not expected to disrupt MET protein function with a negative predictive value of 80%. In summary, the available evidence is currently insufficient to determine the role of this variant in disease. Therefore, it has been classified as a Variant of Uncertain Significance.

Ambry Genetics
Classification: Uncertain significance for Hereditary cancer-predisposing syndrome. Last evaluated: 2024-02-02. Review status: criteria provided, single submitter. Criteria: Ambry Variant Classification Scheme 2023. Collection method: clinical testing. Allele origin: germline.
Comment: The p.N74S variant (also known as c.221A>G), located in coding exon 1 of the MET gene, results from an A to G substitution at nucleotide position 221. The asparagine at codon 74 is replaced by serine, an amino acid with highly similar properties. This amino acid position is conserved. In addition, this alteration is predicted to be tolerated by in silico analysis. Based on the available evidence, the clinical significance of this alteration remains unclear.